The following is an entry in ClinVar:

ClinVar aggregate classification (germline): Uncertain significance (1 of 4 stars; one submission).

Conditions:
Joubert syndrome 8 (JBTS8). Identifiers: Orphanet 475, MedGen C2676771, MONDO:0012855, OMIM 612291.

Submission:

Labcorp Genetics (formerly Invitae), Labcorp
Classification: Uncertain significance for Joubert syndrome 8. Last evaluated: 2025-07-31. Review status: criteria provided, single submitter. Criteria: Invitae Variant Classification Sherloc (09022015). Collection method: clinical testing. Allele origin: germline.
Comment: This sequence change replaces isoleucine, which is neutral and non-polar, with valine, which is neutral and non-polar, at codon 260 of the ARL13B protein (p.Ile260Val). This variant is not present in population databases (gnomAD no frequency). This variant has not been reported in the literature in individuals affected with ARL13B-related conditions. ClinVar contains an entry for this variant (Variation ID: 2191447). Invitae Evidence Modeling of protein sequence and biophysical properties (such as structural, functional, and spatial information, amino acid conservation, physicochemical variation, residue mobility, and thermodynamic stability) indicates that this missense variant is not expected to disrupt ARL13B protein function with a negative predictive value of 80%. In summary, the available evidence is currently insufficient to determine the role of this variant in disease. Therefore, it has been classified as a Variant of Uncertain Significance.

NM_001174150.2(ARL13B):c.778A>G (p.Ile260Val)

Gene: ARL13B (ARF like GTPase 13B; plus strand). Cytogenetic location: 3q11.2.
Variant type: single nucleotide variant.
Coding change: c.778A>G on transcript NM_001174150.2 (MANE Select); coding-DNA position 778, A replaced by G.
Protein change: p.Ile260Val; replaces isoleucine 260 with valine.
Molecular consequence: missense variant. On other transcripts: non-coding transcript variant (2).
Genome position (GRCh38, 1-based): chr3:94,039,968, A>G. VCF-style: chr3-94039968-A-G. GRCh37 (hg19) VCF-style: chr3-93758812-A-G.
Other names: c.469A>G, p.Ile157Val (NM_001174151.2); c.733A>G, p.Ile245Val (NM_001321328.2); c.778A>G, p.Ile260Val (NM_001410782.1, NM_182896.3); c.457A>G, p.Ile153Val (NM_144996.4); short protein forms I245V, I153V, I157V, I260V.
Identifiers: ClinVar variation 2191447 (VCV002191447.4), dbSNP rs1424990375, ClinGen allele CA353678743.
Genomic context (GRCh38, chr3:94,039,968, plus strand): 5'-CTCGATGGAACCAGTGGTCTGGCTGAGTTGGACCCAGAACCAACGAATCCTTTCCAGCCA[A>G]TAGCATCTGTAATCATTGAGGTATGAATGATGGCAAATGTAATTTTTGTATCTTAAGTTA-3'
Protein context (NP_001167621.1, residues 250-270): DPEPTNPFQP[Ile260Val]ASVIIENEGK